The following is an entry in ClinVar:

NM_000294.3(PHKG2):c.235C>T (p.His79Tyr)

Gene: PHKG2 (phosphorylase kinase catalytic subunit gamma 2; plus strand). Cytogenetic location: 16p11.2.
Variant type: single nucleotide variant.
Coding change: c.235C>T on transcript NM_000294.3 (MANE Select); coding-DNA position 235, C replaced by T.
Protein change: p.His79Tyr; replaces histidine 79 with tyrosine.
Molecular consequence: missense variant.
Genome position (GRCh38, 1-based): chr16:30,751,245, C>T. VCF-style: chr16-30751245-C-T. GRCh37 (hg19) VCF-style: chr16-30762566-C-T.
Other names: c.235C>T, p.His79Tyr (NM_001172432.2); short protein forms H79Y.
Identifiers: ClinVar variation 1714535 (VCV001714535.3), dbSNP rs758053261, ClinGen allele CA8013060.

ClinVar aggregate classification (germline): Uncertain significance (1 of 4 stars; one submission).

Conditions:
Glycogen storage disease IXc (GSD9C). Also called: GSD IXc. Identifiers: Orphanet 264580, MedGen C2751643, MONDO:0013091, OMIM 613027.

Allele frequency attached by ClinVar (database versions not stated): ExAC 0.00001.

Submission:

Labcorp Genetics (formerly Invitae), Labcorp
Classification: Uncertain significance for Glycogen storage disease IXc. Last evaluated: 2022-07-30. Review status: criteria provided, single submitter. Criteria: Invitae Variant Classification Sherloc (09022015). Collection method: clinical testing. Allele origin: germline.
Comment: This sequence change replaces histidine, which is basic and polar, with tyrosine, which is neutral and polar, at codon 79 of the PHKG2 protein (p.His79Tyr). This variant is present in population databases (rs758053261, gnomAD 0.0009%). This variant has not been reported in the literature in individuals affected with PHKG2-related conditions. Advanced modeling of protein sequence and biophysical properties (such as structural, functional, and spatial information, amino acid conservation, physicochemical variation, residue mobility, and thermodynamic stability) performed at Invitae indicates that this missense variant is not expected to disrupt PHKG2 protein function. In summary, the available evidence is currently insufficient to determine the role of this variant in disease. Therefore, it has been classified as a Variant of Uncertain Significance.